The following is an entry in ClinVar:

NM_003900.5(SQSTM1):c.206-1G>C

Gene: SQSTM1 (sequestosome 1; plus strand). Cytogenetic location: 5q35.3.
Variant type: single nucleotide variant.
Coding change: c.206-1G>C on transcript NM_003900.5 (MANE Select); the canonical splice acceptor site of the intron before coding-DNA position 206, G replaced by C.
Molecular consequence: splice acceptor variant.
Genome position (GRCh38, 1-based): chr5:179,822,957, G>C. VCF-style: chr5-179822957-G-C. GRCh37 (hg19) VCF-style: chr5-179249957-G-C.
Other names: c.-47-1G>C (NM_001142298.2, NM_001142299.2).
Identifiers: ClinVar variation 3755933 (VCV003755933.2).

ClinVar aggregate classification (germline): Likely pathogenic (1 of 4 stars; one submission).

Conditions:
Frontotemporal dementia and/or amyotrophic lateral sclerosis 1 (FTDALS1). Also called: Frontotemporal dementia with motor neuron disease 1; C9orf72 Frontotemporal Dementia and/or Amyotrophic Lateral Sclerosis. Identifiers: Orphanet 275872, MedGen C5779877, MONDO:0007105, OMIM 105550.
Paget disease of bone 2, early-onset (PDB2). Also called: Paget disease of bone 2. Identifiers: MedGen C4085251, MONDO:0011183, OMIM 602080.

gnomAD v4.1: 1 of 1,614,074 alleles (0.000062%); highest among the groups gnomAD compares: South Asian, 0.0011%; no homozygotes.

Submission:

Labcorp Genetics (formerly Invitae), Labcorp
Classification: Likely pathogenic for Paget disease of bone 2, early-onset; Frontotemporal dementia and/or amyotrophic lateral sclerosis 1. Last evaluated: 2024-04-18. Review status: criteria provided, single submitter. Criteria: Invitae Variant Classification Sherloc (09022015). Collection method: clinical testing. Allele origin: germline.
Comment: This sequence change affects an acceptor splice site in intron 1 of the SQSTM1 gene. It is expected to disrupt RNA splicing. Variants that disrupt the donor or acceptor splice site typically lead to a loss of protein function (PMID: 16199547), and loss-of-function variants in SQSTM1 are known to be pathogenic (PMID: 27545679, 29959261). This variant is present in population databases (rs751113097, gnomAD 0.003%). This variant has not been reported in the literature in individuals affected with SQSTM1-related conditions. Algorithms developed to predict the effect of sequence changes on RNA splicing suggest that this variant may disrupt the consensus splice site. In summary, the currently available evidence indicates that the variant is pathogenic, but additional data are needed to prove that conclusively. Therefore, this variant has been classified as Likely Pathogenic.

Literature cited by the submitters: PubMed 16199547; PubMed 27545679; PubMed 29959261.